The following is an entry in ClinVar:

ClinVar aggregate classification (germline): Likely benign. Review status: criteria provided, single submitter (1 of 4 stars). 2 submissions from 2 submitters: Likely benign (1). 1 of the submissions does not count toward it. Last evaluated 2026-01-13.

Conditions:
OCA2-related disorder. Also called: OCA2-related condition.

Allele frequency attached by ClinVar (database versions not stated): ExAC 0.00003; gnomAD exomes 0.00004; TOPMed 0.00015; gnomAD 0.00020 and 0.00021; ESP Exome Variant Server 0.00054.
gnomAD v4.1: 84 of 1,612,816 alleles (0.0052%); highest among the groups gnomAD compares: African/African-American, 0.059%; no homozygotes.

Submissions (2):

Labcorp Genetics (formerly Invitae), Labcorp
Classification: Likely benign. Last evaluated: 2026-01-13. Review status: criteria provided, single submitter. Criteria: Invitae Variant Classification Sherloc (09022015). Collection method: clinical testing. Allele origin: germline.

PreventionGenetics, part of Exact Sciences
Classification: Likely benign for OCA2-related condition. Last evaluated: 2020-10-14. Review status: no assertion criteria provided. Collection method: clinical testing. Allele origin: germline. Not counted in ClinVar's aggregate classification.
Comment: This variant is classified as likely benign based on ACMG/AMP sequence variant interpretation guidelines (Richards et al. 2015 PMID: 25741868, with internal and published modifications).

NM_000275.3(OCA2):c.84C>T (p.Leu28=)

Gene: OCA2 (OCA2 melanosomal transmembrane protein; minus strand). Cytogenetic location: 15q13.1.
Variant type: single nucleotide variant.
Coding change: c.84C>T on transcript NM_000275.3 (MANE Select); coding-DNA position 84, C replaced by T.
Protein change: p.Leu28=; no amino-acid change (leucine 28 retained).
Molecular consequence: synonymous variant.
Genome position (GRCh38, 1-based): chr15:28,081,791, G>A on the plus strand (C>T on the coding strand, the complement: OCA2 is on the minus strand). VCF-style: chr15-28081791-G-A. GRCh37 (hg19) VCF-style: chr15-28326937-G-A.
Other names: c.84C>T, p.Leu28= (NM_001300984.2); c.84C>T (NM_000275.2).
Identifiers: ClinVar variation 1671745 (VCV001671745.10), dbSNP rs141803386, ClinGen allele CA7439590.